The following is an entry in ClinVar:

NM_000503.6(EYA1):c.470C>T (p.Ser157Leu)

Gene: EYA1 (EYA transcriptional coactivator and phosphatase 1; minus strand). Cytogenetic location: 8q13.3.
Variant type: single nucleotide variant.
Coding change: c.470C>T on transcript NM_000503.6 (MANE Select); coding-DNA position 470, C replaced by T.
Protein change: p.Ser157Leu; replaces serine 157 with leucine.
Molecular consequence: missense variant.
Genome position (GRCh38, 1-based): chr8:71,317,638, G>A on the plus strand (C>T on the coding strand, the complement: EYA1 is on the minus strand). VCF-style: chr8-71317638-G-A. GRCh37 (hg19) VCF-style: chr8-72229873-G-A.
Other names: c.452C>T, p.Ser151Leu (NM_001288574.2); c.104C>T, p.Ser35Leu (NM_001288575.2); c.557C>T, p.Ser186Leu (NM_001370333.1); c.470C>T, p.Ser157Leu (NM_001370334.1, NM_001370335.1, NM_172058.4); c.539C>T, p.Ser180Leu (NM_001370336.1); c.542C>T, p.Ser181Leu (NM_172059.5); c.470C>T (NM_000503.4); short protein forms S151L, S186L, S35L, S157L, S180L, S181L.
Identifiers: ClinVar variation 666833 (VCV000666833.7), dbSNP rs1586333305, ClinGen allele CA371468082.
Genomic context (GRCh38, chr8:71,317,638, plus strand): 5'-TGTCCAGGTTGAGGGGTACTGAAGCTTGTGCCATAGCTGAGAAATCCTGTCTGTCCAGGT[G>A]ACTGAGACTGTGACAATCCACCTTCAGTCTTGATGCCTGCCCACAATGCACCTAAATCAG-3'
Protein context (NP_000494.2, residues 147-167): KTEGGLSQSQ[Ser157Leu]PGQTGFLSYG

ClinVar aggregate classification (germline): Uncertain significance. Review status: criteria provided, multiple submitters, no conflicts (2 of 4 stars). 3 submissions from 3 submitters: Uncertain significance (3). Last evaluated 2026-03-11.

Conditions:
Inborn genetic diseases. Identifiers: MedGen C0950123, MeSH D030342.
Melnick-Fraser syndrome (BOR). Also called: Branchio-oto-renal syndrome; Branchiootorenal syndrome; Branchiootorenal Syndrome (BORS). Identifiers: Orphanet 107, MedGen C0265234, MONDO:0007029.

Submissions (3):

Ambry Genetics
Classification: Uncertain significance for Inborn genetic diseases. Last evaluated: 2026-03-11. Review status: criteria provided, single submitter. Criteria: Ambry Variant Classification Scheme 2023. Collection method: clinical testing. Allele origin: germline.

Labcorp Genetics (formerly Invitae), Labcorp
Classification: Uncertain significance for Melnick-Fraser syndrome. Last evaluated: 2024-06-25. Review status: criteria provided, single submitter. Criteria: Invitae Variant Classification Sherloc (09022015). Collection method: clinical testing. Allele origin: germline.
Comment: This sequence change replaces serine, which is neutral and polar, with leucine, which is neutral and non-polar, at codon 157 of the EYA1 protein (p.Ser157Leu). This variant is not present in population databases (gnomAD no frequency). This variant has not been reported in the literature in individuals affected with EYA1-related conditions. ClinVar contains an entry for this variant (Variation ID: 666833). Advanced modeling of protein sequence and biophysical properties (such as structural, functional, and spatial information, amino acid conservation, physicochemical variation, residue mobility, and thermodynamic stability) performed at Invitae indicates that this missense variant is not expected to disrupt EYA1 protein function with a negative predictive value of 95%. In summary, the available evidence is currently insufficient to determine the role of this variant in disease. Therefore, it has been classified as a Variant of Uncertain Significance.

Laboratory for Molecular Medicine, Mass General Brigham Personalized Medicine
Classification: Uncertain significance. Last evaluated: 2018-08-07. Review status: criteria provided, single submitter. Criteria: LMM Criteria. Collection method: clinical testing. Allele origin: germline. Observed: 1 variant allele.
Comment: The p.Ser157Leu variant in EYA1 has not been previously reported in individuals with hearing loss or Branchio-oto-renal syndrome and was absent from large popul ation databases. Computational prediction tools and conservation analysis sugges t that the p.Ser157Leu variant may impact the protein, though this information i s not predictive enough to determine pathogenicity. In summary, the clinical sig nificance of the p.Ser157Leu variant is uncertain. ACMG/AMP Criteria applied: PP 3, PM2.